The following is an entry in ClinVar:

NM_003491.4(NAA10):c.438C>T (p.Ala146=)

Gene: NAA10 (N-alpha-acetyltransferase 10, NatA catalytic subunit; minus strand). Cytogenetic location: Xq28.
Variant type: single nucleotide variant.
Coding change: c.438C>T on transcript NM_003491.4 (MANE Select); coding-DNA position 438, C replaced by T.
Protein change: p.Ala146=; no amino-acid change (alanine 146 retained).
Molecular consequence: synonymous variant.
Genome position (GRCh38, 1-based): chrX:153,930,796, G>A on the plus strand (C>T on the coding strand, the complement: NAA10 is on the minus strand). VCF-style: chrX-153930796-G-A. GRCh37 (hg19) VCF-style: chrX-153196249-G-A.
Other names: c.393C>T, p.Ala131= (NM_001256119.2); c.420C>T, p.Ala140= (NM_001256120.2).
Identifiers: ClinVar variation 2661761 (VCV002661761.24), dbSNP rs2521324410, ClinGen allele CA519268005.

ClinVar aggregate classification (germline): Likely benign (1 of 4 stars; one submission).

Submission:

CeGaT Center for Human Genetics Tuebingen
Classification: Likely benign. Last evaluated: 2022-08-01. Review status: criteria provided, single submitter. Criteria: CeGaT Center For Human Genetics Tuebingen Variant Classification Criteria Version 2. Collection method: clinical testing. Allele origin: germline. Affected: yes. Observed: 1 variant allele.
Comment: NAA10: PM2:Supporting, BP4, BP7